The following is an entry in ClinVar:

NM_000051.4(ATM):c.5012T>C (p.Val1671Ala)

Gene: ATM (ATM serine/threonine kinase; plus strand). Cytogenetic location: 11q22.3.
Variant type: single nucleotide variant.
Coding change: c.5012T>C on transcript NM_000051.4 (MANE Select); coding-DNA position 5012, T replaced by C.
Protein change: p.Val1671Ala; replaces valine 1671 with alanine.
Molecular consequence: missense variant.
Genome position (GRCh38, 1-based): chr11:108,299,720, T>C. VCF-style: chr11-108299720-T-C. GRCh37 (hg19) VCF-style: chr11-108170447-T-C.
Other names: c.5012T>C, p.Val1671Ala (NM_001351834.2); short protein forms V1671A.
Identifiers: ClinVar variation 1041502 (VCV001041502.6), dbSNP rs1361913028, ClinGen allele CA382540043.

ClinVar aggregate classification (germline): Uncertain significance (1 of 4 stars; one submission).

Conditions:
Ataxia-telangiectasia syndrome (AT). Also called: ATAXIA-TELANGIECTASIA, COMPLEMENTATION GROUP A; ATAXIA-TELANGIECTASIA, FRESNO VARIANT; Ataxia-telangiectasia, complementation group D; AT, COMPLEMENTATION GROUP C; Cerebello-oculocutaneous telangiectasia; Immunodeficiency with ataxia telangiectasia. Identifiers: Orphanet 100, MedGen C0004135, MONDO:0008840, OMIM 208900.

Submission:

Labcorp Genetics (formerly Invitae), Labcorp
Classification: Uncertain significance for Ataxia-telangiectasia syndrome. Last evaluated: 2021-08-26. Review status: criteria provided, single submitter. Criteria: Invitae Variant Classification Sherloc (09022015). Collection method: clinical testing. Allele origin: germline.
Comment: This sequence change replaces valine with alanine at codon 1671 of the ATM protein (p.Val1671Ala). The valine residue is moderately conserved and there is a small physicochemical difference between valine and alanine. This variant is not present in population databases (ExAC no frequency). This variant has not been reported in the literature in individuals affected with ATM-related conditions. Advanced modeling of protein sequence and biophysical properties (such as structural, functional, and spatial information, amino acid conservation, physicochemical variation, residue mobility, and thermodynamic stability) performed at Invitae indicates that this missense variant is not expected to disrupt ATM protein function. In summary, the available evidence is currently insufficient to determine the role of this variant in disease. Therefore, it has been classified as a Variant of Uncertain Significance.